The following is an entry in ClinVar:

ClinVar aggregate classification (germline): Uncertain significance (1 of 4 stars; one submission).

Conditions:
Myofibrillar myopathy 4. Also called: Zaspopathy (type). Identifiers: Orphanet 98912, MedGen C4721886, MONDO:0012277, OMIM 609452.

Submission:

Labcorp Genetics (formerly Invitae), Labcorp
Classification: Uncertain significance for Myofibrillar myopathy 4. Last evaluated: 2024-08-30. Review status: criteria provided, single submitter. Criteria: Invitae Variant Classification Sherloc (09022015). Collection method: clinical testing. Allele origin: germline.
Comment: The LDB3 gene has multiple clinically relevant transcripts. This variant occurs in alternate transcript NM_007078.3, and corresponds to NM_001080116.1:c.*26781G>A in the primary transcript. This sequence change replaces serine, which is neutral and polar, with asparagine, which is neutral and polar, at codon 666 of the LDB3 protein (p.Ser666Asn). This variant is not present in population databases (gnomAD no frequency). This variant has not been reported in the literature in individuals affected with LDB3-related conditions. In summary, the available evidence is currently insufficient to determine the role of this variant in disease. Therefore, it has been classified as a Variant of Uncertain Significance.

NM_007078.3(LDB3):c.1997G>A (p.Ser666Asn)

Gene: LDB3 (LIM domain binding 3; plus strand). Cytogenetic location: 10q23.2.
Variant type: single nucleotide variant.
Coding change: c.1997G>A on transcript NM_007078.3 (MANE Select); coding-DNA position 1997, G replaced by A.
Protein change: p.Ser666Asn; replaces serine 666 with asparagine.
Molecular consequence: missense variant.
Genome position (GRCh38, 1-based): chr10:86,726,155, G>A. VCF-style: chr10-86726155-G-A. GRCh37 (hg19) VCF-style: chr10-88485912-G-A.
Other names: c.1667G>A, p.Ser556Asn (NM_001080114.2); c.2012G>A, p.Ser671Asn (NM_001171610.2); c.1808G>A, p.Ser603Asn (NM_001368064.1, NM_001368065.1); c.1856G>A, p.Ser619Asn (NM_001368066.1); short protein forms S556N, S603N, S619N, S666N, S671N.
Identifiers: ClinVar variation 3627458 (VCV003627458.2).